The following is an entry in ClinVar:

ClinVar aggregate classification (germline): Uncertain significance. Review status: criteria provided, multiple submitters, no conflicts (2 of 4 stars). 2 submissions from 2 submitters: Uncertain significance (2). Last evaluated 2025-07-16.

Conditions:
Inborn genetic diseases. Identifiers: MedGen C0950123, MeSH D030342.
Intellectual disability-facial dysmorphism syndrome due to SETD5 haploinsufficiency (MRD23). Also called: Intellectual developmental disorder, autosomal dominant 23. Identifiers: Orphanet 404440, MedGen C3810406, MONDO:0014336, OMIM 615761.

gnomAD v4.1: 4 of 1,613,804 alleles (0.00025%); highest among the groups gnomAD compares: Non-Finnish European, 0.00034%; no homozygotes.

Submissions (2):

Daryl Scott Lab, Baylor College of Medicine
Classification: Uncertain significance for Intellectual disability-facial dysmorphism syndrome due to SETD5 haploinsufficiency. Last evaluated: 2025-07-16. Review status: criteria provided, single submitter. Criteria: ACMG Guidelines, 2015. Collection method: clinical testing. Allele origin: unknown. Affected: yes. Observed: 1 heterozygote.
Comment: PM2

Ambry Genetics
Classification: Uncertain significance for Inborn genetic diseases. Last evaluated: 2023-12-30. Review status: criteria provided, single submitter. Criteria: Ambry Variant Classification Scheme 2023. Collection method: clinical testing. Allele origin: germline.

NM_001080517.3(SETD5):c.3427G>A (p.Val1143Ile)

Gene: SETD5 (SET domain containing 5; plus strand). Cytogenetic location: 3p25.3.
Variant type: single nucleotide variant.
Coding change: c.3427G>A on transcript NM_001080517.3 (MANE Select); coding-DNA position 3427, G replaced by A.
Protein change: p.Val1143Ile; replaces valine 1143 with isoleucine.
Molecular consequence: missense variant.
Genome position (GRCh38, 1-based): chr3:9,473,467, G>A. VCF-style: chr3-9473467-G-A. GRCh37 (hg19) VCF-style: chr3-9515151-G-A.
Other names: c.3133G>A, p.Val1045Ile (NM_001292043.2, NM_001349451.2); short protein forms V1045I, V1143I.
Identifiers: ClinVar variation 3160682 (VCV003160682.2), dbSNP rs2473897109, ClinGen allele CA351686387.